The following is an entry in ClinVar:

ClinVar aggregate classification (germline): Uncertain significance (1 of 4 stars; one submission).

Allele frequency attached by ClinVar (database versions not stated): gnomAD exomes 0.00001; ExAC 0.00001.

Submission:

Labcorp Genetics (formerly Invitae), Labcorp
Classification: Uncertain significance. Last evaluated: 2020-11-10. Review status: criteria provided, single submitter. Criteria: Invitae Variant Classification Sherloc (09022015). Collection method: clinical testing. Allele origin: germline.
Comment: This sequence change replaces methionine with valine at codon 1192 of the TRPM1 protein (p.Met1192Val). The methionine residue is highly conserved and there is a small physicochemical difference between methionine and valine. This variant is present in population databases (rs771021392, ExAC 0.006%). This variant has not been reported in the literature in individuals with TRPM1-related conditions. Algorithms developed to predict the effect of missense changes on protein structure and function are either unavailable or do not agree on the potential impact of this missense change (SIFT: "Deleterious"; PolyPhen-2: "Benign"; Align-GVGD: "Class C0"). In summary, the available evidence is currently insufficient to determine the role of this variant in disease. Therefore, it has been classified as a Variant of Uncertain Significance.

NM_001252024.2(TRPM1):c.3640A>G (p.Met1214Val)

Gene: TRPM1 (transient receptor potential cation channel subfamily M member 1; minus strand). Cytogenetic location: 15q13.3.
Variant type: single nucleotide variant.
Coding change: c.3640A>G on transcript NM_001252024.2 (MANE Select); coding-DNA position 3640, A replaced by G.
Protein change: p.Met1214Val; replaces methionine 1214 with valine.
Molecular consequence: missense variant.
Genome position (GRCh38, 1-based): chr15:31,003,060, T>C on the plus strand (A>G on the coding strand, the complement: TRPM1 is on the minus strand). VCF-style: chr15-31003060-T-C. GRCh37 (hg19) VCF-style: chr15-31295263-T-C.
Other names: c.3691A>G, p.Met1231Val (NM_001252020.2); c.3574A>G, p.Met1192Val (NM_002420.6); short protein forms M1231V, M1192V, M1214V.
Identifiers: ClinVar variation 1497783 (VCV001497783.7), dbSNP rs771021392, ClinGen allele CA7451800.
Genomic context (GRCh38, chr15:31,003,060, plus strand): 5'-TCTGCAGGGAAGTTTTCATAAAAGTTTCTCTTTCATTGATTTCTTCCAACCTCATTGACA[T>C]ATTTTCAACTCTGGTGAATATAAAGGGATAGATTTATTAAACTGAGATTAAGTGGATATT-3'
Protein context (NP_001238953.1, residues 1204-1224): IRVTSERVEN[Met1214Val]SMRLEEINER